The following is an entry in ClinVar:

NM_001040108.2(MLH3):c.2986G>A (p.Gly996Arg)

Gene: MLH3 (mutL homolog 3; minus strand). Cytogenetic location: 14q24.3.
Variant type: single nucleotide variant.
Coding change: c.2986G>A on transcript NM_001040108.2 (MANE Select); coding-DNA position 2986, G replaced by A.
Protein change: p.Gly996Arg; replaces glycine 996 with arginine.
Molecular consequence: missense variant.
Genome position (GRCh38, 1-based): chr14:75,046,670, C>T on the plus strand (G>A on the coding strand, the complement: MLH3 is on the minus strand). VCF-style: chr14-75046670-C-T. GRCh37 (hg19) VCF-style: chr14-75513373-C-T.
Other names: c.2986G>A, p.Gly996Arg (NM_014381.3); short protein forms G996R.
Identifiers: ClinVar variation 1798448 (VCV001798448.9), dbSNP rs374190439, ClinGen allele CA7275605.

ClinVar aggregate classification (germline): Uncertain significance. Review status: criteria provided, multiple submitters, no conflicts (2 of 4 stars). 2 submissions from 2 submitters: Uncertain significance (2). Last evaluated 2024-08-27.

Conditions:
Colorectal cancer, hereditary nonpolyposis, type 7. Identifiers: Orphanet 144, MedGen C1858380, MONDO:0013725, OMIM 614385.

Allele frequency attached by ClinVar (database versions not stated): TOPMed 0.00003; ExAC 0.00004; gnomAD 0.00004; ESP Exome Variant Server 0.00008.
gnomAD v4.1: 6 of 1,614,072 alleles (0.00037%); highest among the groups gnomAD compares: African/African-American, 0.008%; no homozygotes.

Submissions (2):

Ambry Genetics
Classification: Uncertain significance. Last evaluated: 2024-08-27. Review status: criteria provided, single submitter. Criteria: Ambry Variant Classification Scheme 2023. Collection method: clinical testing. Allele origin: germline.
Comment: The p.G996R variant (also known as c.2986G>A), located in coding exon 1 of the MLH3 gene, results from a G to A substitution at nucleotide position 2986. The glycine at codon 996 is replaced by arginine, an amino acid with dissimilar properties. This amino acid position is conserved. In addition, this alteration is predicted to be tolerated by in silico analysis. Since supporting evidence is limited at this time, the clinical significance of this alteration remains unclear.

Labcorp Genetics (formerly Invitae), Labcorp
Classification: Uncertain significance for Colorectal cancer, hereditary nonpolyposis, type 7. Last evaluated: 2022-02-24. Review status: criteria provided, single submitter. Criteria: Invitae Variant Classification Sherloc (09022015). Collection method: clinical testing. Allele origin: germline.
Comment: In summary, the available evidence is currently insufficient to determine the role of this variant in disease. Therefore, it has been classified as a Variant of Uncertain Significance. Algorithms developed to predict the effect of missense changes on protein structure and function (SIFT, PolyPhen-2, Align-GVGD) all suggest that this variant is likely to be tolerated. This variant has not been reported in the literature in individuals affected with MLH3-related conditions. This variant is present in population databases (rs374190439, gnomAD 0.02%). This sequence change replaces glycine, which is neutral and non-polar, with arginine, which is basic and polar, at codon 996 of the MLH3 protein (p.Gly996Arg).